The following is an entry in ClinVar:

NM_001378454.1(ALMS1):c.4118C>T (p.Thr1373Ile)

Gene: ALMS1 (ALMS1 centrosome and basal body associated protein; plus strand). Cytogenetic location: 2p13.1.
Variant type: single nucleotide variant.
Coding change: c.4118C>T on transcript NM_001378454.1 (MANE Select); coding-DNA position 4118, C replaced by T.
Protein change: p.Thr1373Ile; replaces threonine 1373 with isoleucine.
Molecular consequence: missense variant.
Genome position (GRCh38, 1-based): chr2:73,450,645, C>T. VCF-style: chr2-73450645-C-T. GRCh37 (hg19) VCF-style: chr2-73677772-C-T.
Other names: c.4121C>T, p.Thr1374Ile (NM_015120.4); short protein forms T1374I, T1373I.
Identifiers: ClinVar variation 1427653 (VCV001427653.4), dbSNP rs1671914302, ClinGen allele CA347277499.
Genomic context (GRCh38, chr2:73,450,645, plus strand): 5'-CAACTGAAGAGGCTCTGAAAATTTCAGTTGCCTCTGAACCAGTTGACCAGACAACTGGCA[C>T]ACCAACTGTAACCTCTACTTCTTACTCACAACATACAGAGAAGCCGAGTATTTTCTACCA-3'
Protein context (NP_001365383.1, residues 1363-1383): ASEPVDQTTG[Thr1373Ile]PTVTSTSYSQ

ClinVar aggregate classification (germline): Uncertain significance (1 of 4 stars; one submission).

Conditions:
Alstrom syndrome (ALMS). Identifiers: Orphanet 64, MedGen C0268425, MONDO:0008763, OMIM 203800.

Allele frequency attached by ClinVar (database versions not stated): TOPMed below 0.00001.

Submission:

Labcorp Genetics (formerly Invitae), Labcorp
Classification: Uncertain significance for Alstrom syndrome. Last evaluated: 2022-05-12. Review status: criteria provided, single submitter. Criteria: Invitae Variant Classification Sherloc (09022015). Collection method: clinical testing. Allele origin: germline.
Comment: This sequence change replaces threonine, which is neutral and polar, with isoleucine, which is neutral and non-polar, at codon 1374 of the ALMS1 protein (p.Thr1374Ile). This variant is not present in population databases (gnomAD no frequency). This variant has not been reported in the literature in individuals affected with ALMS1-related conditions. Algorithms developed to predict the effect of missense changes on protein structure and function output the following: SIFT: "Not Available"; PolyPhen-2: "Not Available"; Align-GVGD: "Not Available". The isoleucine amino acid residue is found in multiple mammalian species, which suggests that this missense change does not adversely affect protein function. In summary, the available evidence is currently insufficient to determine the role of this variant in disease. Therefore, it has been classified as a Variant of Uncertain Significance.